The following is an entry in ClinVar:

NM_004329.3(BMPR1A):c.371G>A (p.Cys124Tyr)

Gene: BMPR1A (bone morphogenetic protein receptor type 1A; plus strand). Cytogenetic location: 10q23.2.
Variant type: single nucleotide variant.
Coding change: c.371G>A on transcript NM_004329.3 (MANE Select); coding-DNA position 371, G replaced by A.
Protein change: p.Cys124Tyr; replaces cysteine 124 with tyrosine.
Molecular consequence: missense variant.
Genome position (GRCh38, 1-based): chr10:86,899,831, G>A. VCF-style: chr10-86899831-G-A. GRCh37 (hg19) VCF-style: chr10-88659588-G-A.
Other names: short protein forms C124Y.
Identifiers: ClinVar variation 142329 (VCV000142329.12), dbSNP rs587782388, ClinGen allele CA168082.

ClinVar aggregate classification (germline): Pathogenic/Likely pathogenic. Review status: criteria provided, multiple submitters, no conflicts (2 of 4 stars). 2 submissions from 2 submitters: Pathogenic (1); Likely pathogenic (1). Last evaluated 2023-12-10.

Conditions:
Juvenile polyposis syndrome (JPS). Identifiers: Orphanet 2929, MedGen C0345893, MONDO:0017380, OMIM 174900.
Hereditary cancer-predisposing syndrome. Also called: Neoplastic Syndromes, Hereditary; Hereditary Cancer Syndrome; Hereditary neoplastic syndrome; Tumor predisposition. Identifiers: Orphanet 140162, MedGen C0027672, MeSH D009386, MONDO:0015356.

Submissions (2):

Labcorp Genetics (formerly Invitae), Labcorp
Classification: Likely pathogenic for Juvenile polyposis syndrome. Last evaluated: 2023-12-10. Review status: criteria provided, single submitter. Criteria: Invitae Variant Classification Sherloc (09022015). Collection method: clinical testing. Allele origin: germline.
Comment: This sequence change replaces cysteine, which is neutral and slightly polar, with tyrosine, which is neutral and polar, at codon 124 of the BMPR1A protein (p.Cys124Tyr). This variant is not present in population databases (gnomAD no frequency). This variant has not been reported in the literature in individuals affected with BMPR1A-related conditions. ClinVar contains an entry for this variant (Variation ID: 142329). Advanced modeling performed at Invitae incorporating data from internal and/or published experimental studies (Invitae) indicates that this missense variant is expected to disrupt BMPR1A function with a positive predictive value of 95%. This variant disrupts the p.Cys124 amino acid residue in BMPR1A. Other variant(s) that disrupt this residue have been determined to be pathogenic (Invitae). This suggests that this residue is clinically significant, and that variants that disrupt this residue are likely to be disease-causing. In summary, the currently available evidence indicates that the variant is pathogenic, but additional data are needed to prove that conclusively. Therefore, this variant has been classified as Likely Pathogenic.

Ambry Genetics
Classification: Pathogenic for Hereditary cancer-predisposing syndrome. Last evaluated: 2023-01-12. Review status: criteria provided, single submitter. Criteria: Ambry Variant Classification Scheme 2023. Collection method: clinical testing. Allele origin: germline.
Comment: The p.C124Y pathogenic mutation (also known as c.371G>A) is located in coding exon 4 of the BMPR1A gene, results from a G to A substitution at nucleotide position 371. The cysteine at codon 124 is replaced by tyrosine, an amino acid with highly dissimilar properties. This alteration has been observed in at least one individual with a personal and/or family history that is consistent with BMPR1A-related disease (Ambry internal data). Based on internal structural analysis, the p.C124Y alteration results in loss of a structurally critical disulfide bond (Ambry internal data; Weber D et al. BMC Struct Biol, 2007 Feb;7:6). While this alteration has not been reported in published literature, a different alteration at this same amino acid position, p.C124R, was reported in an isolated case of juvenile polyposis syndrome (Zhou XP et al. Am J Hum Genet. 2001 Oct;69(4):704-11). This amino acid position is in a highly conserved extracellular domain that is cysteine-rich, and the authors of this study conclude that alterations at this position would result in severe conformational changes and loss of the ability of this protein to bind its ligand. Based on protein sequence alignment, this amino acid position is highly conserved in available vertebrate species and is also conserved within the TGF-&beta; superfamily (Kirsch T et al. Nat Struct Biol. 2000 Jun;7(6):492-6). The p.C124Y variant is considered to be rare based on population cohorts in the Genome Aggregation Database (gnomAD). In addition, this alteration is predicted to be deleterious by in silico analysis. Based on the supporting evidence, this alteration is interpreted as a disease-causing mutation.

Literature cited by the submitters: PubMed 17295905 (cited by Ambry Genetics).